The following is an entry in ClinVar:

ClinVar aggregate classification (germline): Uncertain significance. Review status: criteria provided, multiple submitters, no conflicts (2 of 4 stars). 3 submissions from 3 submitters: Uncertain significance (2). 1 of the submissions does not count toward it. Last evaluated 2024-07-29.

Conditions:
ABCG8-related disorder. Also called: ABCG8-related condition.
Cardiovascular phenotype. Identifiers: MedGen CN230736.

Allele frequency attached by ClinVar (database versions not stated): gnomAD exomes 0.00001; TOPMed 0.00002.
gnomAD v4.1: 23 of 1,613,848 alleles (0.0014%); highest among the groups gnomAD compares: South Asian, 0.0044%; no homozygotes.

Submissions (3):

Women's Health and Genetics/Laboratory Corporation of America, LabCorp
Classification: Uncertain significance. Last evaluated: 2024-07-29. Review status: criteria provided, single submitter. Criteria: LabCorp Variant Classification Summary - May 2015. Collection method: clinical testing. Allele origin: germline.
Comment: Variant summary: ABCG8 c.1132G>A (p.Val378Met) results in a conservative amino acid change in the encoded protein sequence. Five of five in-silico tools predict a benign effect of the variant on protein function. The variant was absent in 251016 control chromosomes. The available data on variant occurrences in the general population are insufficient to allow any conclusion about variant significance. To our knowledge, no occurrence of c.1132G>A in individuals affected with Early Onset Coronary Artery Disease and no experimental evidence demonstrating its impact on protein function have been reported. ClinVar contains an entry for this variant (Variation ID: 1728848). Based on the evidence outlined above, the variant was classified as uncertain significance.

Ambry Genetics
Classification: Uncertain significance for Cardiovascular phenotype. Last evaluated: 2021-09-07. Review status: criteria provided, single submitter. Criteria: Ambry Variant Classification Scheme 2023. Collection method: clinical testing. Allele origin: germline.
Comment: The p.V378M variant (also known as c.1132G>A), located in coding exon 8 of the ABCG8 gene, results from a G to A substitution at nucleotide position 1132. The valine at codon 378 is replaced by methionine, an amino acid with highly similar properties. This amino acid position is conserved. In addition, this alteration is predicted to be tolerated by in silico analysis. Since supporting evidence is limited at this time, the clinical significance of this alteration remains unclear.

PreventionGenetics, part of Exact Sciences
Classification: Uncertain significance for ABCG8-related condition. Last evaluated: 2024-06-26. Review status: no assertion criteria provided. Collection method: clinical testing. Allele origin: germline. Not counted in ClinVar's aggregate classification.
Comment: The ABCG8 c.1132G>A variant is predicted to result in the amino acid substitution p.Val378Met. To our knowledge, this variant has not been reported in the literature or in a large population database, indicating this variant is rare. At this time, the clinical significance of this variant is uncertain due to the absence of conclusive functional and genetic evidence.

NM_022437.3(ABCG8):c.1132G>A (p.Val378Met)

Gene: ABCG8 (ATP binding cassette subfamily G member 8; plus strand). Cytogenetic location: 2p21.
Variant type: single nucleotide variant.
Coding change: c.1132G>A on transcript NM_022437.3 (MANE Select); coding-DNA position 1132, G replaced by A.
Protein change: p.Val378Met; replaces valine 378 with methionine.
Molecular consequence: missense variant.
Genome position (GRCh38, 1-based): chr2:43,872,227, G>A. VCF-style: chr2-43872227-G-A. GRCh37 (hg19) VCF-style: chr2-44099366-G-A.
Other names: c.1129G>A, p.Val377Met (NM_001357321.2); short protein forms V378M, V377M.
Identifiers: ClinVar variation 1728848 (VCV001728848.4), dbSNP rs562447483, ClinGen allele CA346669060.